The following is an entry in ClinVar:

NM_030665.4(RAI1):c.2616C>T (p.Ser872=)

Gene: RAI1 (retinoic acid induced 1; plus strand). Cytogenetic location: 17p11.2.
Variant type: single nucleotide variant.
Coding change: c.2616C>T on transcript NM_030665.4 (MANE Select); coding-DNA position 2616, C replaced by T.
Protein change: p.Ser872=; no amino-acid change (serine 872 retained).
Molecular consequence: synonymous variant.
Genome position (GRCh38, 1-based): chr17:17,795,564, C>T. VCF-style: chr17-17795564-C-T. GRCh37 (hg19) VCF-style: chr17-17698878-C-T.
Identifiers: ClinVar variation 1962560 (VCV001962560.18), dbSNP rs2508582548, ClinGen allele CA498424031.

ClinVar aggregate classification (germline): Likely benign. Review status: criteria provided, multiple submitters, no conflicts (2 of 4 stars). 2 submissions from 2 submitters: Likely benign (2). Last evaluated 2025-01-01.

Allele frequency attached by ClinVar (database versions not stated): gnomAD exomes below 0.00001.
gnomAD v4.1: 2 of 1,610,174 alleles (0.00012%); highest among the groups gnomAD compares: Non-Finnish European, 0.00017%; no homozygotes.

Submissions (2):

CeGaT Center for Human Genetics Tuebingen
Classification: Likely benign. Last evaluated: 2025-01-01. Review status: criteria provided, single submitter. Criteria: CeGaT Center For Human Genetics Tuebingen Variant Classification Criteria Version 2. Collection method: clinical testing. Allele origin: germline. Affected: yes. Observed: 1 variant allele.
Comment: RAI1: BP4, BP7

Labcorp Genetics (formerly Invitae), Labcorp
Classification: Likely benign. Last evaluated: 2022-08-12. Review status: criteria provided, single submitter. Criteria: Invitae Variant Classification Sherloc (09022015). Collection method: clinical testing. Allele origin: germline.